The following is an entry in ClinVar:

ClinVar aggregate classification (germline): Pathogenic (1 of 4 stars; one submission).

Conditions:
Pulmonary fibrosis and/or bone marrow failure, Telomere-related, 3. Also called: PULMONARY FIBROSIS AND/OR BONE MARROW FAILURE SYNDROME, TELOMERE-RELATED, 3. Identifiers: Orphanet 2032, MedGen C4225346, MONDO:0014613, OMIM 616373.
Dyskeratosis congenita, autosomal recessive 5 (DKCB5). Identifiers: MedGen C3554656, MONDO:0014076, OMIM 615190.

Submission:

Labcorp Genetics (formerly Invitae), Labcorp
Classification: Pathogenic for Dyskeratosis congenita, autosomal recessive 5; Pulmonary fibrosis and/or bone marrow failure, Telomere-related, 3. Last evaluated: 2022-09-30. Review status: criteria provided, single submitter. Criteria: Invitae Variant Classification Sherloc (09022015). Collection method: clinical testing. Allele origin: germline.
Comment: For these reasons, this variant has been classified as Pathogenic. This variant has not been reported in the literature in individuals affected with RTEL1-related conditions. This variant is not present in population databases (gnomAD no frequency). This sequence change creates a premature translational stop signal (p.Ser474Leufs*57) in the RTEL1 gene. It is expected to result in an absent or disrupted protein product. Loss-of-function variants in RTEL1 are known to be pathogenic (PMID: 23453664, 23959892, 25607374).

Literature cited by the submitters: PubMed 23453664; PubMed 23959892; PubMed 25607374.

NM_001283009.2(RTEL1):c.1419dup (p.Ser474fs)

Genes: RTEL1-TNFRSF6B (RTEL1-TNFRSF6B readthrough (NMD candidate); plus strand), RTEL1 (regulator of telomere elongation helicase 1; plus strand). Cytogenetic location: 20q13.33.
Variant type: Duplication.
Coding change: c.1419dup on transcript NM_001283009.2 (MANE Select); coding-DNA position 1419, one base duplicated (C; older notation c.1419dupC).
Protein change: p.Ser474fs; shifts the reading frame from serine 474.
Molecular consequence: frameshift variant. On other transcripts: non-coding transcript variant (1).
Genome position (GRCh38, 1-based): chr20:63,687,708, C duplicated. VCF-style (leftmost placement, unchanged base first): chr20-63687707-G-GC. GRCh37 (hg19) VCF-style: chr20-62319060-G-GC.
Other names: c.750dup, p.Ser251fs (NM_001283010.1); c.1419dup, p.Ser474fs (NM_016434.4); c.1491dup, p.Ser498fs (NM_032957.5); short protein forms S498fs, S251fs, S474fs.
Identifiers: ClinVar variation 2033470 (VCV002033470.4), dbSNP rs2517112417, ClinGen allele CA2580098444.